The following is an entry in ClinVar:

NM_000057.4(BLM):c.3751G>A (p.Glu1251Lys)

Gene: BLM (BLM RecQ like helicase; plus strand). Cytogenetic location: 15q26.1.
Variant type: single nucleotide variant.
Coding change: c.3751G>A on transcript NM_000057.4 (MANE Select); coding-DNA position 3751, G replaced by A.
Protein change: p.Glu1251Lys; replaces glutamic acid 1251 with lysine.
Molecular consequence: missense variant. On other transcripts: intron variant (1).
Genome position (GRCh38, 1-based): chr15:90,804,359, G>A. VCF-style: chr15-90804359-G-A. GRCh37 (hg19) VCF-style: chr15-91347589-G-A.
Other names: c.3751G>A, p.Glu1251Lys (NM_001287246.2); c.2626G>A, p.Glu876Lys (NM_001287248.2); c.3359-4778G>A (NM_001287247.2); short protein forms E1251K, E876K.
Identifiers: ClinVar variation 1358391 (VCV001358391.8), dbSNP rs587779888, ClinGen allele CA393848313.

ClinVar aggregate classification (germline): Uncertain significance (1 of 4 stars; one submission).

Conditions:
Bloom syndrome (BLM). Also called: Bloom-Torre-Machacek syndrome. Identifiers: Orphanet 125, MedGen C0005859, MONDO:0008876, OMIM 210900.

Submission:

Labcorp Genetics (formerly Invitae), Labcorp
Classification: Uncertain significance for Bloom syndrome. Last evaluated: 2020-12-21. Review status: criteria provided, single submitter. Criteria: Invitae Variant Classification Sherloc (09022015). Collection method: clinical testing. Allele origin: germline.
Comment: In summary, the available evidence is currently insufficient to determine the role of this variant in disease. Therefore, it has been classified as a Variant of Uncertain Significance. Nucleotide substitutions within the consensus splice site are a relatively common cause of aberrant splicing (PMID: 17576681, 9536098). Algorithms developed to predict the effect of sequence changes on RNA splicing suggest that this variant may disrupt the consensus splice site, but this prediction has not been confirmed by published transcriptional studies. Algorithms developed to predict the effect of missense changes on protein structure and function are either unavailable or do not agree on the potential impact of this missense change (SIFT: "Deleterious"; PolyPhen-2: "Probably Damaging"; Align-GVGD: "Class C0"). This variant has not been reported in the literature in individuals with BLM-related conditions. This variant is not present in population databases (ExAC no frequency). This sequence change replaces glutamic acid with lysine at codon 1251 of the BLM protein (p.Glu1251Lys). The glutamic acid residue is highly conserved and there is a small physicochemical difference between glutamic acid and lysine. This variant also falls at the last nucleotide of exon 19, which is part of the consensus splice site for this exon.

Literature cited by the submitters: PubMed 17576681; PubMed 9536098.